The following is an entry in ClinVar:

ClinVar aggregate classification (germline): Uncertain significance (1 of 4 stars; one submission).

Conditions:
Cardiovascular phenotype. Identifiers: MedGen CN230736.

Allele frequency attached by ClinVar (database versions not stated): gnomAD exomes below 0.00001.

Submission:

Ambry Genetics
Classification: Uncertain significance for Cardiovascular phenotype. Last evaluated: 2022-10-02. Review status: criteria provided, single submitter. Criteria: Ambry Variant Classification Scheme 2023. Collection method: clinical testing. Allele origin: germline.
Comment: The p.N768S variant (also known as c.2303A>G), located in coding exon 13 of the EPHB4 gene, results from an A to G substitution at nucleotide position 2303. The asparagine at codon 768 is replaced by serine, an amino acid with highly similar properties. This amino acid position is conserved. In addition, this alteration is predicted to be tolerated by in silico analysis. Since supporting evidence is limited at this time, the clinical significance of this alteration remains unclear.

NM_004444.5(EPHB4):c.2303A>G (p.Asn768Ser)

Gene: EPHB4 (EPH receptor B4; minus strand). Cytogenetic location: 7q22.1.
Variant type: single nucleotide variant.
Coding change: c.2303A>G on transcript NM_004444.5 (MANE Select); coding-DNA position 2303, A replaced by G.
Protein change: p.Asn768Ser; replaces asparagine 768 with serine.
Molecular consequence: missense variant.
Genome position (GRCh38, 1-based): chr7:100,807,396, T>C on the plus strand (A>G on the coding strand, the complement: EPHB4 is on the minus strand). VCF-style: chr7-100807396-T-C. GRCh37 (hg19) VCF-style: chr7-100405018-T-C.
Other names: short protein forms N768S.
Identifiers: ClinVar variation 1789318 (VCV001789318.2), dbSNP rs2485003378, ClinGen allele CA368568178.
Genomic context (GRCh38, chr7:100,807,396, plus strand): 5'-CTCACACCCAGTATTACCCCCAGCATTACCAGGGAGCTCGTGTAGGTGGGATCGGAAGAG[T>C]TCTCCTCCAGGAATCGGGAAAGGCCAAAGTCAGACACTTTGCAGACGAGGTTGCTGTTGA-3'
Protein context (NP_004435.3, residues 758-778): DFGLSRFLEE[Asn768Ser]SSDPTYTSSL